The following is an entry in ClinVar:

ClinVar aggregate classification (germline): Uncertain significance (1 of 4 stars; one submission).

Conditions:
Nemaline myopathy 2 (NEM2). Also called: Nemaline myopathy 2, autosomal recessive. Identifiers: MedGen C1850569, MONDO:0009725, OMIM 256030.

Allele frequency attached by ClinVar (database versions not stated): gnomAD exomes below 0.00001.
gnomAD v4.1: 1 of 1,602,334 alleles (0.000062%); highest among the groups gnomAD compares: Non-Finnish European, 0.000085%; no homozygotes.

Submission:

Labcorp Genetics (formerly Invitae), Labcorp
Classification: Uncertain significance for Nemaline myopathy 2. Last evaluated: 2021-08-26. Review status: criteria provided, single submitter. Criteria: Invitae Variant Classification Sherloc (09022015). Collection method: clinical testing. Allele origin: germline.
Comment: This sequence change replaces alanine with threonine at codon 728 of the NEB protein (p.Ala728Thr). The alanine residue is moderately conserved and there is a small physicochemical difference between alanine and threonine. This variant is not present in population databases (ExAC no frequency). This variant has not been reported in the literature in individuals affected with NEB-related conditions. Algorithms developed to predict the effect of missense changes on protein structure and function are either unavailable or do not agree on the potential impact of this missense change (SIFT: "Deleterious"; PolyPhen-2: "Not Available"; Align-GVGD: "Class C0"). In summary, the available evidence is currently insufficient to determine the role of this variant in disease. Therefore, it has been classified as a Variant of Uncertain Significance.

NM_001164508.2(NEB):c.2182G>A (p.Ala728Thr)

Gene: NEB (nebulin; minus strand). Cytogenetic location: 2q23.3.
Variant type: single nucleotide variant.
Coding change: c.2182G>A on transcript NM_001164508.2 (MANE Select); coding-DNA position 2182, G replaced by A.
Protein change: p.Ala728Thr; replaces alanine 728 with threonine.
Molecular consequence: missense variant.
Genome position (GRCh38, 1-based): chr2:151,691,893, C>T on the plus strand (G>A on the coding strand, the complement: NEB is on the minus strand). VCF-style: chr2-151691893-C-T. GRCh37 (hg19) VCF-style: chr2-152548407-C-T.
Other names: c.2182G>A, p.Ala728Thr (NM_001164507.2, NM_001271208.2, NM_004543.5); short protein forms A728T.
Identifiers: ClinVar variation 1045057 (VCV001045057.6), dbSNP rs1187124982, ClinGen allele CA348823590.
Genomic context (GRCh38, chr2:151,691,893, plus strand): 5'-CAATTTCAATAATTCAGGGCAGCTAACTTACATCTTTACACTGGTCCAGCTTCTTGATTG[C>T]TTCATATTCTTGTGTTATTGTCTGAGGGAAATAGCATTTTCCTTTATCTTCTTCATATTC-3'
Protein context (NP_001157980.2, residues 718-738): FPQTITQEYE[Ala728Thr]IKKLDQCKDH